The following is an entry in ClinVar:

ClinVar aggregate classification (germline): Uncertain significance (1 of 4 stars; one submission).

Conditions:
Diamond-Blackfan anemia. Also called: Blackfan Diamond syndrome; Aregenerative anemia chronic congenital; Red cell aplasia, pure hereditary; Congenital hypoplastic anemia; Aase syndrome. Identifiers: Orphanet 124, MedGen C1260899, MeSH D029503, MONDO:0015253, HP:0004810.

gnomAD v4.1: 2 of 1,612,636 alleles (0.00012%); highest among the groups gnomAD compares: South Asian, 0.0022%; no homozygotes.

Submission:

Labcorp Genetics (formerly Invitae), Labcorp
Classification: Uncertain significance for Diamond-Blackfan anemia. Last evaluated: 2025-06-29. Review status: criteria provided, single submitter. Criteria: Invitae Variant Classification Sherloc (09022015). Collection method: clinical testing. Allele origin: germline.
Comment: This sequence change replaces asparagine, which is neutral and polar, with serine, which is neutral and polar, at codon 42 of the RPS10 protein (p.Asn42Ser). This variant is present in population databases (no rsID available, gnomAD 0.006%). This variant has not been reported in the literature in individuals affected with RPS10-related conditions. An algorithm developed to predict the effect of missense changes on protein structure and function (PolyPhen-2) suggests that this variant is likely to be tolerated. In summary, the available evidence is currently insufficient to determine the role of this variant in disease. Therefore, it has been classified as a Variant of Uncertain Significance.

NM_001014.5(RPS10):c.125A>G (p.Asn42Ser)

Genes: RPS10 (ribosomal protein S10; minus strand), RPS10-NUDT3 (RPS10-NUDT3 readthrough; minus strand). Cytogenetic location: 6p21.31.
Variant type: single nucleotide variant.
Coding change: c.125A>G on transcript NM_001014.5 (MANE Select); coding-DNA position 125, A replaced by G.
Protein change: p.Asn42Ser; replaces asparagine 42 with serine.
Molecular consequence: missense variant.
Genome position (GRCh38, 1-based): chr6:34,425,097, T>C on the plus strand (A>G on the coding strand, the complement: RPS10 is on the minus strand). VCF-style: chr6-34425097-T-C. GRCh37 (hg19) VCF-style: chr6-34392874-T-C.
Other names: c.125A>G, p.Asn42Ser (NM_001202470.3, NM_001203245.3, NM_001204091.2); short protein forms N42S.
Identifiers: ClinVar variation 4754811 (VCV004754811.1).
Genomic context (GRCh38, chr6:34,425,097, plus strand): 5'-GAAGATCCATCCCATCTTCCTCCTCACCCTCCTACCTGCATGGCCTTCATGACATGAAGG[T>C]TGGGCACATTCTTGTCTGCCAGCTCCGGGTGCTTAGGCATGTGGACATCCTTCTTGGCCA-3'
Protein context (NP_001005.1, residues 32-52): HPELADKNVP[Asn42Ser]LHVMKAMQSL